The following is an entry in ClinVar:

NM_001122955.4(BSCL2):c.1244C>T (p.Ser415Phe)

Genes: BSCL2 (BSCL2 lipid droplet biogenesis associated, seipin; minus strand), HNRNPUL2-BSCL2 (HNRNPUL2-BSCL2 readthrough (NMD candidate); minus strand). Cytogenetic location: 11q12.3.
Variant type: single nucleotide variant.
Coding change: c.1244C>T on transcript NM_001122955.4 (MANE Select); coding-DNA position 1244, C replaced by T.
Protein change: p.Ser415Phe; replaces serine 415 with phenylalanine.
Molecular consequence: missense variant. On other transcripts: non-coding transcript variant (1), 3 prime UTR variant (1).
Genome position (GRCh38, 1-based): chr11:62,690,512, G>A on the plus strand (C>T on the coding strand, the complement: BSCL2 is on the minus strand). VCF-style: chr11-62690512-G-A. GRCh37 (hg19) VCF-style: chr11-62457984-G-A.
Other names: p.Ser351Phe; c.*46C>T (NM_001130702.2); c.1250C>T, p.Ser417Phe (NM_001386027.1); c.1244C>T, p.Ser415Phe (NM_001386028.1); c.1052C>T, p.Ser351Phe (NM_032667.6); short protein forms S351F, S415F, S417F.
Identifiers: ClinVar variation 660054 (VCV000660054.9), dbSNP rs1590868109, ClinGen allele CA380955057.
Genomic context (GRCh38, chr11:62,690,512, plus strand): 5'-GCAGAAGCAGGAGCAGGAGCAGGCAGGTTGGCCTCCGTCAGCAAAGCTGCATCTTCCCAG[G>A]AGCCTGAACCTGGGCCAGGAAAGGGAAAAACAAAATCTCAAATGGGATATTAGATTAACC-3'
Protein context (NP_001116427.1, residues 405-425): LEPEASDGSG[Ser415Phe]WEDAALLTEA

ClinVar aggregate classification (germline): Uncertain significance. Review status: criteria provided, multiple submitters, no conflicts (2 of 4 stars). 3 submissions from 3 submitters: Uncertain significance (3). Last evaluated 2025-07-17.

Conditions:
Congenital generalized lipodystrophy type 2 (CGL2). Also called: SEIP SYNDROME; BERARDINELLI SYNDROME; BRUNZELL SYNDROME, BSCL2-RELATED; Berardinelli-Seip Congenital Lipodystrophy Type 2. Identifiers: Orphanet 528, Orphanet 696289, MedGen C1720863, MONDO:0010020, OMIM 269700.
Severe neurodegenerative syndrome with lipodystrophy. Also called: ENCEPHALOPATHY, PROGRESSIVE, WITH LIPODYSTROPHY; Encephalopathy, progressive, with or without lipodystrophy. Identifiers: Orphanet 363400, MedGen C4014700, MONDO:0014402, OMIM 615924.
Hereditary spastic paraplegia 17. Also called: Silver spastic paraplegia syndrome; SPASTIC PARAPLEGIA WITH AMYOTROPHY OF HANDS AND FEET; Spastic Paraplegia 17; Autosomal dominant spastic paraplegia type 17; Silver Syndrome. Identifiers: Orphanet 100998, MedGen C2931276, MONDO:0010043, OMIM 270685.
Neuronopathy, distal hereditary motor, type 5C. Also called: NEURONOPATHY, DISTAL HEREDITARY MOTOR, AUTOSOMAL DOMINANT 13; DHMN VC; NEURONOPATHY, DISTAL HEREDITARY MOTOR, HARDING TYPE VC; NEUROPATHY, DISTAL HEREDITARY MOTOR, HARDING TYPE VC; SPINAL MUSCULAR ATROPHY, DISTAL, HARDING TYPE VC. Identifiers: MedGen C5436838, MONDO:0030860, OMIM 619112.
Charcot-Marie-Tooth disease type 2. Also called: Charcot-Marie-Tooth type 2. Identifiers: Orphanet 64746, MedGen C0270914, MONDO:0018993.

Allele frequency attached by ClinVar (database versions not stated): gnomAD exomes 0.00001.
gnomAD v4.1: 3 of 1,614,146 alleles (0.00019%); highest among the groups gnomAD compares: East Asian, 0.0022%; no homozygotes.

Submissions (3):

Mayo Clinic Laboratories, Mayo Clinic
Classification: Uncertain significance. Last evaluated: 2025-07-17. Review status: criteria provided, single submitter. Criteria: ACMG Guidelines, 2015. Collection method: clinical testing. Allele origin: germline. Observed: 1 variant allele.
Comment: PM2_supporting

Fulgent Genetics
Classification: Uncertain significance for Congenital generalized lipodystrophy type 2; Hereditary spastic paraplegia 17; Severe neurodegenerative syndrome with lipodystrophy; Neuronopathy, distal hereditary motor, type 5C. Last evaluated: 2022-05-26. Review status: criteria provided, single submitter. Criteria: ACMG Guidelines, 2015. Collection method: clinical testing. Allele origin: unknown.

Labcorp Genetics (formerly Invitae), Labcorp
Classification: Uncertain significance for Charcot-Marie-Tooth disease type 2. Last evaluated: 2021-11-20. Review status: criteria provided, single submitter. Criteria: Invitae Variant Classification Sherloc (09022015). Collection method: clinical testing. Allele origin: germline.
Comment: ClinVar contains an entry for this variant (Variation ID: 660054). Algorithms developed to predict the effect of missense changes on protein structure and function are either unavailable or do not agree on the potential impact of this missense change (SIFT: "Deleterious"; PolyPhen-2: "Probably Damaging"; Align-GVGD: "Class C0"). In summary, the available evidence is currently insufficient to determine the role of this variant in disease. Therefore, it has been classified as a Variant of Uncertain Significance. This variant has not been reported in the literature in individuals affected with BSCL2-related conditions. This variant is not present in population databases (gnomAD no frequency). This sequence change replaces serine, which is neutral and polar, with phenylalanine, which is neutral and non-polar, at codon 351 of the BSCL2 protein (p.Ser351Phe).